The following is an entry in ClinVar:

NM_006765.4(TUSC3):c.90GCT[5] (p.Leu34dup)

Gene: TUSC3 (tumor suppressor candidate 3; plus strand). Cytogenetic location: 8p22.
Variant type: Microsatellite.
Coding change: c.90GCT[5] on transcript NM_006765.4 (MANE Select); five copies in a row of the 3-base unit GCT starting at c.90; the reference has four copies in a row; one copy, 3 bases duplicated.
Protein change: p.Leu34dup; duplicates leucine 34.
Molecular consequence: inframe insertion.
Genome position (GRCh38, 1-based): chr8:15,540,529-15,540,531, GCT duplicated; duplicating any 3 consecutive bases within chr8:15,540,518-15,540,531 gives the same sequence; the position shown is the placement nearest the transcript's 3' end. VCF-style (leftmost placement, unchanged base first): chr8-15540517-C-CCTG. GRCh37 (hg19) VCF-style: chr8-15398026-C-CCTG.
Other names: c.90GCT[5], p.Leu34dup (NM_001356429.2, NM_178234.2).
Identifiers: ClinVar variation 504108 (VCV000504108.2), dbSNP rs770272071, ClinGen allele CA4640280.

ClinVar aggregate classification (germline): Uncertain significance (1 of 4 stars; one submission).

Submission:

GeneDx
Classification: Uncertain significance. Last evaluated: 2018-01-25. Review status: criteria provided, single submitter. Criteria: GeneDx Variant Classification (06012015). Collection method: clinical testing. Allele origin: germline. Affected: yes.
Comment: The c.99_101dupGCT variant in the TUSC3 gene has not been reported previously as a pathogenic variant nor as a benign variant, to our knowledge. The c.99_101dupGCT variant causes an in-frame duplication of a single Leucine residue at position 34, denoted p.Leu34dup. The c.99_101dupGCT variant is not observed at a significant frequency in large population cohorts (Lek et al., 2016). We interpret c.99_101dupGCT as a variant of uncertain significance.